The following is an entry in ClinVar:

ClinVar aggregate classification (germline): Uncertain significance (1 of 4 stars; one submission).

Allele frequency attached by ClinVar (database versions not stated): gnomAD exomes below 0.00001.

Submission:

Labcorp Genetics (formerly Invitae), Labcorp
Classification: Uncertain significance. Last evaluated: 2023-12-10. Review status: criteria provided, single submitter. Criteria: Invitae Variant Classification Sherloc (09022015). Collection method: clinical testing. Allele origin: germline.
Comment: This sequence change replaces glycine, which is neutral and non-polar, with valine, which is neutral and non-polar, at codon 10 of the PSMB4 protein (p.Gly10Val). This variant is not present in population databases (gnomAD no frequency). This variant has not been reported in the literature in individuals affected with PSMB4-related conditions. An algorithm developed to predict the effect of missense changes on protein structure and function (PolyPhen-2) suggests that this variant is likely to be tolerated. In summary, the available evidence is currently insufficient to determine the role of this variant in disease. Therefore, it has been classified as a Variant of Uncertain Significance.

NM_002796.3(PSMB4):c.29G>T (p.Gly10Val)

Gene: PSMB4 (proteasome 20S subunit beta 4; plus strand). Cytogenetic location: 1q21.3.
Variant type: single nucleotide variant.
Coding change: c.29G>T on transcript NM_002796.3 (MANE Select); coding-DNA position 29, G replaced by T.
Protein change: p.Gly10Val; replaces glycine 10 with valine.
Molecular consequence: missense variant.
Genome position (GRCh38, 1-based): chr1:151,399,616, G>T. VCF-style: chr1-151399616-G-T. GRCh37 (hg19) VCF-style: chr1-151372092-G-T.
Other names: short protein forms G10V.
Identifiers: ClinVar variation 2700575 (VCV002700575.3), dbSNP rs1205598659, ClinGen allele CA341919001.